The following is an entry in ClinVar:

NM_144499.3(GNAT1):c.16A>G (p.Ser6Gly)

Gene: GNAT1 (G protein subunit alpha transducin 1; plus strand). Cytogenetic location: 3p21.31.
Variant type: single nucleotide variant.
Coding change: c.16A>G on transcript NM_144499.3 (MANE Select); coding-DNA position 16, A replaced by G.
Protein change: p.Ser6Gly; replaces serine 6 with glycine.
Molecular consequence: missense variant.
Genome position (GRCh38, 1-based): chr3:50,191,741, A>G. VCF-style: chr3-50191741-A-G. GRCh37 (hg19) VCF-style: chr3-50229174-A-G.
Other names: c.16A>G, p.Ser6Gly (NM_000172.4); short protein forms S6G.
Identifiers: ClinVar variation 1018310 (VCV001018310.5), dbSNP rs780667765, ClinGen allele CA2412419.

ClinVar aggregate classification (germline): Uncertain significance (1 of 4 stars; one submission).

Allele frequency attached by ClinVar (database versions not stated): gnomAD exomes below 0.00001; ExAC 0.00001.

Submission:

Labcorp Genetics (formerly Invitae), Labcorp
Classification: Uncertain significance. Last evaluated: 2020-03-05. Review status: criteria provided, single submitter. Criteria: Invitae Variant Classification Sherloc (09022015). Collection method: clinical testing. Allele origin: germline.
Comment: In summary, the available evidence is currently insufficient to determine the role of this variant in disease. Therefore, it has been classified as a Variant of Uncertain Significance. Algorithms developed to predict the effect of missense changes on protein structure and function (SIFT, PolyPhen-2, Align-GVGD) all suggest that this variant is likely to be disruptive, but these predictions have not been confirmed by published functional studies and their clinical significance is uncertain. This variant has not been reported in the literature in individuals with GNAT1-related conditions. This variant is present in population databases (rs780667765, ExAC 0.002%). This sequence change replaces serine with glycine at codon 6 of the GNAT1 protein (p.Ser6Gly). The serine residue is highly conserved and there is a small physicochemical difference between serine and glycine.